The following is an entry in ClinVar:

ClinVar aggregate classification (germline): Pathogenic/Likely pathogenic. Review status: criteria provided, multiple submitters, no conflicts (2 of 4 stars). 8 submissions from 8 submitters: Pathogenic (2); Likely pathogenic (4). 2 of the submissions do not count toward it. Last evaluated 2026-06-19.

Conditions:
FANCE-related disorder. Also called: FANCE-related condition.
Fanconi anemia complementation group E (FANCE). Also called: FANCE-Related Fanconi Anemia. Identifiers: Orphanet 84, MedGen C3160739, MONDO:0010953, OMIM 600901.

Allele frequency attached by ClinVar (database versions not stated): gnomAD exomes below 0.00001; gnomAD 0.00001.
gnomAD v4.1: 5 of 1,613,662 alleles (0.00031%); highest among the groups gnomAD compares: African/African-American, 0.0013%; no homozygotes.

Submissions (8):

Institute of Medical Genetics and Applied Genomics, University Hospital Tübingen
Classification: Likely pathogenic for Fanconi anemia complementation group E. Last evaluated: 2026-06-19. Review status: criteria provided, single submitter. Criteria: ACMG Guidelines, 2015. Collection method: clinical testing. Allele origin: germline. Inheritance: Autosomal recessive inheritance. Affected: yes.

Labcorp Genetics (formerly Invitae), Labcorp
Classification: Pathogenic for Fanconi anemia complementation group E. Last evaluated: 2025-05-12. Review status: criteria provided, single submitter. Criteria: Invitae Variant Classification Sherloc (09022015). Collection method: clinical testing. Allele origin: germline.
Comment: This sequence change falls in intron 5 of the FANCE gene. It does not directly change the encoded amino acid sequence of the FANCE protein. RNA analysis indicates that this variant induces altered splicing and may result in an absent or altered protein product. This variant is not present in population databases (gnomAD no frequency). This variant has been observed in individuals with Fanconi anemia (PMID: 10205272, 35295078; internal data). ClinVar contains an entry for this variant (Variation ID: 8711). Studies have shown that this variant results in activation of a cryptic splice site, and produces a non-functional protein and/or introduces a premature termination codon (PMID: 11001585). For these reasons, this variant has been classified as Pathogenic.

PreventionGenetics, part of Exact Sciences
Classification: Pathogenic for FANCE-related condition. Last evaluated: 2024-11-13. Review status: criteria provided, single submitter. Criteria: ACMG Guidelines, 2015. Collection method: clinical testing. Allele origin: germline.
Comment: The FANCE c.1114-8G>A variant is predicted to interfere with splicing. This variant has been reported in the homozygous state in individuals with Fanconi anemia (FA, Winter et al. 2000. PubMed ID: 11001585; Gilad et al. 2022. PubMed ID: 35295078). Sequencing analysis of cDNA derived from a patient with this variant was demonstrated to result in aberrant splicing and the creation of an alternative in-frame stop codon (de Winter et al 2000. PubMed ID: 11001585). This variant has also been reported to segregate in members of a family undergoing testing for recessive FA at PreventionGenetics (internal data). This variant has not been reported in a large population database (gnomAD), indicating this variant is rare. Additionally, this variant is interpreted as pathogenic/likely pathogenic in the ClinVar database. Taken together, this variant is interpreted as pathogenic.

Fulgent Genetics
Classification: Likely pathogenic for Fanconi anemia complementation group E. Last evaluated: 2024-05-02. Review status: criteria provided, single submitter. Criteria: ACMG Guidelines, 2015. Collection method: clinical testing. Allele origin: germline.

CeGaT Center for Human Genetics Tuebingen
Classification: Likely pathogenic. Last evaluated: 2024-01-01. Review status: criteria provided, single submitter. Criteria: CeGaT Center For Human Genetics Tuebingen Variant Classification Criteria Version 2. Collection method: clinical testing. Allele origin: germline. Affected: yes. Observed: 1 variant allele.
Comment: FANCE: PM2, PM3:Supporting, PP3, PS3:Supporting, PS4:Supporting

Baylor Genetics
Classification: Likely pathogenic for Fanconi anemia complementation group E. Last evaluated: 2023-03-28. Review status: criteria provided, single submitter. Criteria: ACMG Guidelines, 2015. Collection method: clinical testing. Allele origin: unknown.

Leiden Open Variation Database
Classification: Uncertain significance for Fanconi anemia complementation group E. Last evaluated: 2011-02-07. Review status: no assertion criteria provided. Collection method: curation. Allele origin: germline. Affected: yes. Not counted in ClinVar's aggregate classification.
Comment: Curator: Arleen D. Auerbach. Submitters to LOVD: Arleen D. Auerbach, Johan de Winter.

OMIM
Classification: Pathogenic for FANCONI ANEMIA, COMPLEMENTATION GROUP E. Last evaluated: 2000-11-01. Review status: no assertion criteria provided. Collection method: literature only. Allele origin: germline. Not counted in ClinVar's aggregate classification.

Literature cited by the submitters: PubMed 10205272 (cited by Labcorp Genetics (formerly Invitae), Labcorp and OMIM); PubMed 35295078 (cited by Labcorp Genetics (formerly Invitae), Labcorp); PubMed 11001585 (cited by 3 submitters); PubMed 7662964 (cited by OMIM).

NM_021922.3(FANCE):c.1114-8G>A

Gene: FANCE (FA complementation group E; plus strand). Cytogenetic location: 6p21.31.
Variant type: single nucleotide variant.
Coding change: c.1114-8G>A on transcript NM_021922.3 (MANE Select); 8 bases into the intron before coding-DNA position 1114, G replaced by A.
Molecular consequence: intron variant.
Genome position (GRCh38, 1-based): chr6:35,459,323, G>A. VCF-style: chr6-35459323-G-A. GRCh37 (hg19) VCF-style: chr6-35427100-G-A.
Other names: IVS5AS, G-A, -8; c.1113_1114insCTGTAG (NM_021922.2).
Identifiers: ClinVar variation 8711 (VCV000008711.38), dbSNP rs878854342, ClinGen allele CA10575503.
Genomic context (GRCh38, chr6:35,459,323, plus strand): 5'-GTGCATTTGATAAATGCTGTTGAAATGAAGAAGAAAATAATTAATTTTTTCCTCCCTGTT[G>A]GCTGTAGATCCTCTCCTTGACTTCCTCAGCCTCCCGCCTGCTTACAACTGCCCTGACCTC-3'